The following is an entry in ClinVar:

NM_006361.6(HOXB13):c.209C>T (p.Pro70Leu)

Gene: HOXB13 (homeobox B13; minus strand). Cytogenetic location: 17q21.32.
Variant type: single nucleotide variant.
Coding change: c.209C>T on transcript NM_006361.6 (MANE Select); coding-DNA position 209, C replaced by T.
Protein change: p.Pro70Leu; replaces proline 70 with leucine.
Molecular consequence: missense variant.
Genome position (GRCh38, 1-based): chr17:48,728,385, G>A on the plus strand (C>T on the coding strand, the complement: HOXB13 is on the minus strand). VCF-style: chr17-48728385-G-A. GRCh37 (hg19) VCF-style: chr17-46805747-G-A.
Other names: short protein forms P70L.
Identifiers: ClinVar variation 820713 (VCV000820713.16), dbSNP rs750621041, ClinGen allele CA8634043.

ClinVar aggregate classification (germline): Uncertain significance. Review status: criteria provided, multiple submitters, no conflicts (2 of 4 stars). 4 submissions from 4 submitters: Uncertain significance (3). 1 of the submissions does not count toward it. Last evaluated 2025-12-31.

Conditions:
HOXB13-related disorder. Also called: HOXB13-related condition; HOXB13-related disorders.
Hereditary cancer-predisposing syndrome. Also called: Neoplastic Syndromes, Hereditary; Tumor predisposition; Hereditary Cancer Syndrome; Hereditary neoplastic syndrome. Identifiers: Orphanet 140162, MedGen C0027672, MeSH D009386, MONDO:0015356.
Prostate cancer, hereditary, 9 (HPC9). Identifiers: Orphanet 1331, MedGen C1970250, MONDO:0012597, OMIM 610997.

Allele frequency attached by ClinVar (database versions not stated): ExAC 0.00001; gnomAD 0.00001; TOPMed 0.00001; gnomAD exomes 0.00002 and 0.00004.
gnomAD v4.1: 59 of 1,613,708 alleles (0.0037%); highest among the groups gnomAD compares: Non-Finnish European, 0.005%; no homozygotes.

Submissions (4):

Labcorp Genetics (formerly Invitae), Labcorp
Classification: Uncertain significance. Last evaluated: 2025-12-31. Review status: criteria provided, single submitter. Criteria: Invitae Variant Classification Sherloc (09022015). Collection method: clinical testing. Allele origin: germline.
Comment: This sequence change replaces proline, which is neutral and non-polar, with leucine, which is neutral and non-polar, at codon 70 of the HOXB13 protein (p.Pro70Leu). This variant is present in population databases (rs750621041, gnomAD 0.004%). This variant has not been reported in the literature in individuals affected with HOXB13-related conditions. ClinVar contains an entry for this variant (Variation ID: 820713). Invitae Evidence Modeling of protein sequence and biophysical properties (such as structural, functional, and spatial information, amino acid conservation, physicochemical variation, residue mobility, and thermodynamic stability) indicates that this missense variant is not expected to disrupt HOXB13 protein function with a negative predictive value of 80%. In summary, the available evidence is currently insufficient to determine the role of this variant in disease. Therefore, it has been classified as a Variant of Uncertain Significance.

Ambry Genetics
Classification: Uncertain significance for Hereditary cancer-predisposing syndrome. Last evaluated: 2024-12-12. Review status: criteria provided, single submitter. Criteria: Ambry Variant Classification Scheme 2023. Collection method: clinical testing. Allele origin: germline.
Comment: The p.P70L variant (also known as c.209C>T), located in coding exon 1 of the HOXB13 gene, results from a C to T substitution at nucleotide position 209. The proline at codon 70 is replaced by leucine, an amino acid with similar properties. This amino acid position is well conserved in available vertebrate species. In addition, this alteration is predicted to be tolerated by in silico analysis. Since supporting evidence is limited at this time, the clinical significance of this alteration remains unclear.

Fulgent Genetics
Classification: Uncertain significance for Prostate cancer, hereditary, 9. Last evaluated: 2024-05-14. Review status: criteria provided, single submitter. Criteria: ACMG Guidelines, 2015. Collection method: clinical testing. Allele origin: germline.

PreventionGenetics, part of Exact Sciences
Classification: Uncertain significance for HOXB13-related condition. Last evaluated: 2023-10-23. Review status: no assertion criteria provided. Collection method: clinical testing. Allele origin: germline. Not counted in ClinVar's aggregate classification.
Comment: The HOXB13 c.209C>T variant is predicted to result in the amino acid substitution p.Pro70Leu. To our knowledge, this variant has not been reported in the literature. This variant is reported in 0.0035% of alleles in individuals of European (Non-Finnish) descent in gnomAD. At this time, the clinical significance of this variant is uncertain due to the absence of conclusive functional and genetic evidence.